The following is an entry in ClinVar:

ClinVar aggregate classification (germline): Conflicting classifications of pathogenicity. Review status: criteria provided, conflicting classifications (1 of 4 stars). 2 submissions from 2 submitters: Uncertain significance (1); Likely benign (1). Last evaluated 2025-03-12.

Conditions:
PTPRQ-related disorder. Also called: PTPRQ-related condition.

gnomAD v4.1: 172 of 1,550,504 alleles (0.011%); highest among the groups gnomAD compares: African/African-American, 0.21%; no homozygotes.

Submissions (2):

PreventionGenetics, part of Exact Sciences
Classification: Likely benign for PTPRQ-related condition. Last evaluated: 2025-03-12. Review status: criteria provided, single submitter. Criteria: ACMG Guidelines, 2015. Collection method: clinical testing. Allele origin: germline.
Comment: This variant is classified as likely benign based on ACMG/AMP sequence variant interpretation guidelines (Richards et al. 2015 PMID: 25741868, with internal and published modifications).

Blueprint Genetics
Classification: Uncertain significance. Last evaluated: 2024-09-23. Review status: criteria provided, single submitter. Criteria: ACMG Guidelines, 2015. Collection method: clinical testing. Allele origin: germline.

NM_001145026.2(PTPRQ):c.3493A>G (p.Thr1165Ala)

Gene: PTPRQ (protein tyrosine phosphatase receptor type Q; plus strand). Cytogenetic location: 12q21.31.
Variant type: single nucleotide variant.
Coding change: c.3493A>G on transcript NM_001145026.2 (MANE Select); coding-DNA position 3493, A replaced by G.
Protein change: p.Thr1165Ala; replaces threonine 1165 with alanine.
Molecular consequence: missense variant.
Genome position (GRCh38, 1-based): chr12:80,542,136, A>G. VCF-style: chr12-80542136-A-G. GRCh37 (hg19) VCF-style: chr12-80935915-A-G.
Other names: c.3493A>G (NM_001145026.1); short protein forms T1165A.
Identifiers: ClinVar variation 4917770 (VCV004917770.2).